The following is an entry in ClinVar:

ClinVar aggregate classification (germline): Uncertain significance (1 of 4 stars; one submission).

Conditions:
Spastic paraplegia. Identifiers: MedGen C0037772, HP:0001258.

Allele frequency attached by ClinVar (database versions not stated): gnomAD exomes below 0.00001.
gnomAD v4.1: 1 of 1,613,508 alleles (0.000062%); highest among the groups gnomAD compares: South Asian, 0.0011%; no homozygotes.

Submission:

Labcorp Genetics (formerly Invitae), Labcorp
Classification: Uncertain significance for Spastic paraplegia. Last evaluated: 2021-11-04. Review status: criteria provided, single submitter. Criteria: Invitae Variant Classification Sherloc (09022015). Collection method: clinical testing. Allele origin: germline.
Comment: This variant has not been reported in the literature in individuals affected with KIF5A-related conditions. This sequence change replaces glutamine, which is neutral and polar, with arginine, which is basic and polar, at codon 739 of the KIF5A protein (p.Gln739Arg). This variant is not present in population databases (gnomAD no frequency). Advanced modeling of protein sequence and biophysical properties (such as structural, functional, and spatial information, amino acid conservation, physicochemical variation, residue mobility, and thermodynamic stability) performed at Invitae indicates that this missense variant is not expected to disrupt KIF5A protein function. In summary, the available evidence is currently insufficient to determine the role of this variant in disease. Therefore, it has been classified as a Variant of Uncertain Significance.

NM_004984.4(KIF5A):c.2216A>G (p.Gln739Arg)

Gene: KIF5A (kinesin family member 5A; plus strand). Cytogenetic location: 12q13.3.
Variant type: single nucleotide variant.
Coding change: c.2216A>G on transcript NM_004984.4 (MANE Select); coding-DNA position 2216, A replaced by G.
Protein change: p.Gln739Arg; replaces glutamine 739 with arginine.
Molecular consequence: missense variant.
Genome position (GRCh38, 1-based): chr12:57,576,778, A>G. VCF-style: chr12-57576778-A-G. GRCh37 (hg19) VCF-style: chr12-57970561-A-G.
Other names: c.1949A>G, p.Gln650Arg (NM_001354705.2); short protein forms Q739R, Q650R.
Identifiers: ClinVar variation 1363566 (VCV001363566.6), dbSNP rs2140168633, ClinGen allele CA385511483.